The following is an entry in ClinVar:

ClinVar aggregate classification (germline): Uncertain significance (1 of 4 stars; one submission).

Submission:

Quest Diagnostics Nichols Institute San Juan Capistrano
Classification: Uncertain significance. Last evaluated: 2023-04-09. Review status: criteria provided, single submitter. Criteria: Quest Diagnostics criteria. Collection method: clinical testing. Allele origin: unknown.
Comment: The HBB c.433A>T (p.Lys145*) nonsense variant is predicted to cause the premature termination of HBB protein synthesis resulting in deletion of the last three amino acids of the beta-globin chain. This variant has been associated with increased oxygen affinity, normal heat stability, and mild erythrocytosis. It has not been reported in large, multi-ethnic general populations. The variant is described as heterozygous (Hb Cambridge-MA) and compound heterozygous with another Hb variant (Hb Kochi) in individuals with mild polycythemia whose hemoglobin showed increased oxygen affinity (PMIDs: 15768550 (2005) and 21077764 (2010)). Based on the available information, we are unable to determine the clinical significance of this variant.

Literature cited by the submitters: PubMed 21077764; PubMed 15768550; PubMed 27250824; PubMed 23859762; PubMed 36847654.

NM_000518.5(HBB):c.433A>T (p.Lys145Ter)

Genes: HBB (hemoglobin subunit beta; minus strand), LOC107133510 (origin of replication at HBB; plus strand), LOC110006319 (beta-globin gene 3' regulatory region; plus strand). Cytogenetic location: 11p15.4.
Variant type: single nucleotide variant.
Coding change: c.433A>T on transcript NM_000518.5 (MANE Select); coding-DNA position 433, A replaced by T.
Protein change: p.Lys145Ter; replaces lysine 145 with a stop codon.
Molecular consequence: nonsense.
Genome position (GRCh38, 1-based): chr11:5,225,609, T>A on the plus strand (A>T on the coding strand, the complement: HBB is on the minus strand). VCF-style: chr11-5225609-T-A. GRCh37 (hg19) VCF-style: chr11-5246839-T-A.
Other names: K144*; short protein forms K145*.
Identifiers: ClinVar variation 478887 (VCV000478887.1), dbSNP rs33964352, ClinGen allele CA038142.
Genomic context (GRCh38, chr11:5,225,609, plus strand): 5'-TAGGGAACAAAGGAACCTTTAATAGAAATTGGACAGCAAGAAAGCGAGCTTAGTGATACT[T>A]GTGGGCCAGGGCATTAGCCACACCAGCCACCACTTTCTGATAGGCAGCCTGCACTGGTGG-3'